The following is an entry in ClinVar:

NM_032193.4(RNASEH2C):c.469-7G>T

Gene: RNASEH2C (ribonuclease H2 subunit C; minus strand). Cytogenetic location: 11q13.1.
Variant type: single nucleotide variant.
Coding change: c.469-7G>T on transcript NM_032193.4 (MANE Select); 7 bases into the intron before coding-DNA position 469, G replaced by T.
Molecular consequence: intron variant.
Genome position (GRCh38, 1-based): chr11:65,719,816, C>A on the plus strand (G>T on the coding strand, the complement: RNASEH2C is on the minus strand). VCF-style: chr11-65719816-C-A. GRCh37 (hg19) VCF-style: chr11-65487287-C-A.
Identifiers: ClinVar variation 1128250 (VCV001128250.10), dbSNP rs1857335838, ClinGen allele CA381293860.

ClinVar aggregate classification (germline): Conflicting classifications of pathogenicity. Review status: criteria provided, conflicting classifications (1 of 4 stars). 2 submissions from 2 submitters: Uncertain significance (1); Likely benign (1). Last evaluated 2025-03-06.

Conditions:
Aicardi-Goutieres syndrome 3. Identifiers: Orphanet 51, MedGen C1835916, MONDO:0012471, OMIM 610329.

Allele frequency attached by ClinVar (database versions not stated): TOPMed 0.00001.

Submissions (2):

Women's Health and Genetics/Laboratory Corporation of America, LabCorp
Classification: Uncertain significance. Last evaluated: 2025-03-06. Review status: criteria provided, single submitter. Criteria: LabCorp Variant Classification Summary - May 2015. Collection method: clinical testing. Allele origin: germline.
Comment: Variant summary: RNASEH2C c.469-7G>T alters a non-conserved nucleotide located close to a canonical splice site and therefore could affect mRNA splicing, leading to a significantly altered protein sequence. Consensus agreement among computation tools predict no significant impact on normal splicing. However, these predictions have yet to be confirmed by functional studies. The variant was absent in 251378 control chromosomes (gnomAD). The available data on variant occurrences in the general population are insufficient to allow any conclusion about variant significance. To our knowledge, no occurrence of c.469-7G>T in individuals affected with Aicardi-Goutieres syndrome 3 and no experimental evidence demonstrating its impact on protein function have been reported. ClinVar contains an entry for this variant (Variation ID: 1128250). Based on the evidence outlined above, the variant was classified as uncertain significance.

Labcorp Genetics (formerly Invitae), Labcorp
Classification: Likely benign for Aicardi-Goutieres syndrome 3. Last evaluated: 2025-01-07. Review status: criteria provided, single submitter. Criteria: Invitae Variant Classification Sherloc (09022015). Collection method: clinical testing. Allele origin: germline.